The following is an entry in ClinVar:

NM_033028.5(BBS4):c.156+3A>G

Gene: BBS4 (Bardet-Biedl syndrome 4; plus strand). Cytogenetic location: 15q24.1.
Variant type: single nucleotide variant.
Coding change: c.156+3A>G on transcript NM_033028.5 (MANE Select); 3 bases into the intron after coding-DNA position 156, A replaced by G.
Molecular consequence: intron variant.
Genome position (GRCh38, 1-based): chr15:72,709,782, A>G. VCF-style: chr15-72709782-A-G. GRCh37 (hg19) VCF-style: chr15-73002123-A-G.
Other names: c.156+3A>G (NM_001320665.2); c.-366+3A>G (NM_001252678.2).
Identifiers: ClinVar variation 3350763 (VCV003350763.1).

ClinVar aggregate classification (germline): Likely benign (0 of 4 stars; one submission).

Conditions:
BBS4-related disorder. Also called: BBS4-related condition.

gnomAD v4.1: 1 of 1,610,658 alleles (0.000062%); highest among the groups gnomAD compares: African/African-American, 0.0013%; no homozygotes.

Submission:

PreventionGenetics, part of Exact Sciences
Classification: Likely benign for BBS4-related condition. Last evaluated: 2022-11-04. Review status: no assertion criteria provided. Collection method: clinical testing. Allele origin: germline.
Comment: This variant is classified as likely benign based on ACMG/AMP sequence variant interpretation guidelines (Richards et al. 2015 PMID: 25741868, with internal and published modifications).